The following is an entry in ClinVar:

ClinVar aggregate classification (germline): Likely pathogenic (1 of 4 stars; one submission).

Conditions:
Primary hyperoxaluria type 3. Also called: PH III. Identifiers: Orphanet 416, Orphanet 93600, MedGen C3150878, MONDO:0013327, OMIM 613616. Disease mechanism: loss of function.

Allele frequency attached by ClinVar (database versions not stated): ExAC 0.00001.
gnomAD v4.1: 2 of 1,613,874 alleles (0.00012%); highest among the groups gnomAD compares: Non-Finnish European, 0.00017%; no homozygotes.

Submission:

Clinical Biochemistry Laboratory, Health Services Laboratory
Classification: Likely pathogenic for Primary hyperoxaluria type 3. Last evaluated: 2023-10-27. Review status: criteria provided, single submitter. Criteria: ACMG Guidelines, 2015. Collection method: curation. Allele origin: germline.
Comment: ACMG:PVS1 PM2

NM_138413.4(HOGA1):c.340+1G>A

Gene: HOGA1 (4-hydroxy-2-oxoglutarate aldolase 1; plus strand). Cytogenetic location: 10q24.2.
Variant type: single nucleotide variant.
Coding change: c.340+1G>A on transcript NM_138413.4 (MANE Select); the canonical splice donor site of the intron after coding-DNA position 340, G replaced by A.
Molecular consequence: splice donor variant. On other transcripts: intron variant (1).
Genome position (GRCh38, 1-based): chr10:97,598,904, G>A. VCF-style: chr10-97598904-G-A. GRCh37 (hg19) VCF-style: chr10-99358661-G-A.
Other names: c.212-2953G>A (NM_001134670.2).
Identifiers: ClinVar variation 2664388 (VCV002664388.1), dbSNP rs759407659, ClinGen allele CA5634053.